The following is an entry in ClinVar:

NM_020911.2(PLXNA4):c.5115T>C (p.Arg1705=)

Gene: PLXNA4 (plexin A4; minus strand). Cytogenetic location: 7q32.3.
Variant type: single nucleotide variant.
Coding change: c.5115T>C on transcript NM_020911.2 (MANE Select); coding-DNA position 5115, T replaced by C.
Protein change: p.Arg1705=; no amino-acid change (arginine 1705 retained).
Molecular consequence: synonymous variant.
Genome position (GRCh38, 1-based): chr7:132,145,229, A>G on the plus strand (T>C on the coding strand, the complement: PLXNA4 is on the minus strand). VCF-style: chr7-132145229-A-G. GRCh37 (hg19) VCF-style: chr7-131829988-A-G.
Other names: c.5115T>C, p.Arg1705= (NM_001393897.1).
Identifiers: ClinVar variation 5002178 (VCV005002178.1).
Genomic context (GRCh38, chr7:132,145,229, plus strand): 5'-ATCAGCCTGCTCATCCAGGAAGTCAAACATGTACTTGATGGCCAGGGGCAGGGCAGAGCC[A>G]CGGTGTGCCGTGCTGAAGATGGTCTCAAAGAGGTCATCCACAAACTTCTGCAGTGTGCCC-3'
Protein context (NP_065962.1, residues 1695-1715): LFETIFSTAH[Arg1705=]GSALPLAIKY

ClinVar aggregate classification (germline): Likely benign (1 of 4 stars; one submission).

Conditions:
PLXNA4-related disorder. Also called: PLXNA4-related condition.

Submission:

PreventionGenetics, part of Exact Sciences
Classification: Likely benign for PLXNA4-related condition. Last evaluated: 2026-07-28. Review status: criteria provided, single submitter. Criteria: ACMG Guidelines, 2015. Collection method: clinical testing. Allele origin: germline.
Comment: This variant is classified as likely benign based on ACMG/AMP sequence variant interpretation guidelines (Richards et al. 2015 PMID: 25741868, with internal and published modifications).